The following is an entry in ClinVar:

ClinVar aggregate classification (germline): Uncertain significance (1 of 4 stars; one submission).

Submission:

GeneDx
Classification: Uncertain significance. Last evaluated: 2026-04-13. Review status: criteria provided, single submitter. Criteria: GeneDx Variant Classification Process June 2021. Collection method: clinical testing. Allele origin: germline.
Comment: Not observed at significant frequency in large population cohorts (gnomAD); In silico analysis suggests that this missense variant does not alter protein structure/function; Has not been previously published as pathogenic or benign to our knowledge

NM_001375524.1(TRRAP):c.11511C>A (p.His3837Gln)

Gene: TRRAP (transformation/transcription domain associated protein; plus strand). Cytogenetic location: 7q22.1.
Variant type: single nucleotide variant.
Coding change: c.11511C>A on transcript NM_001375524.1 (MANE Select); coding-DNA position 11511, C replaced by A.
Protein change: p.His3837Gln; replaces histidine 3837 with glutamine.
Molecular consequence: missense variant.
Genome position (GRCh38, 1-based): chr7:99,012,244, C>A. VCF-style: chr7-99012244-C-A. GRCh37 (hg19) VCF-style: chr7-98609867-C-A.
Other names: c.11469C>A, p.His3823Gln (NM_001244580.2); c.11382C>A, p.His3794Gln (NM_003496.4); short protein forms H3794Q, H3823Q, H3837Q.
Identifiers: ClinVar variation 5037118 (VCV005037118.1).